The following is an entry in ClinVar:

ClinVar aggregate classification (germline): Likely pathogenic (1 of 4 stars; one submission).

Submission:

Labcorp Genetics (formerly Invitae), Labcorp
Classification: Likely pathogenic. Last evaluated: 2023-09-03. Review status: criteria provided, single submitter. Criteria: Invitae Variant Classification Sherloc (09022015). Collection method: clinical testing. Allele origin: germline.
Comment: This sequence change affects an acceptor splice site in intron 4 of the COL17A1 gene. It is expected to disrupt RNA splicing. Variants that disrupt the donor or acceptor splice site typically lead to a loss of protein function (PMID: 16199547), and loss-of-function variants in COL17A1 are known to be pathogenic (PMID: 16473856, 17344927, 20301304, 21357940, 24319098). This variant is not present in population databases (gnomAD no frequency). This variant has not been reported in the literature in individuals affected with COL17A1-related conditions. Algorithms developed to predict the effect of sequence changes on RNA splicing suggest that this variant may disrupt the consensus splice site. In summary, the currently available evidence indicates that the variant is pathogenic, but additional data are needed to prove that conclusively. Therefore, this variant has been classified as Likely Pathogenic.

Literature cited by the submitters: PubMed 16199547; PubMed 16473856; PubMed 17344927; PubMed 20301304; PubMed 21357940; PubMed 24319098.

NM_000494.4(COL17A1):c.203-1G>T

Gene: COL17A1 (collagen type XVII alpha 1 chain; minus strand). Cytogenetic location: 10q25.1.
Variant type: single nucleotide variant.
Coding change: c.203-1G>T on transcript NM_000494.4 (MANE Select); the canonical splice acceptor site of the intron before coding-DNA position 203, G replaced by T.
Molecular consequence: splice acceptor variant.
Genome position (GRCh38, 1-based): chr10:104,076,430, C>A on the plus strand (G>T on the coding strand, the complement: COL17A1 is on the minus strand). VCF-style: chr10-104076430-C-A. GRCh37 (hg19) VCF-style: chr10-105836188-C-A.
Identifiers: ClinVar variation 3006119 (VCV003006119.3), dbSNP rs111607386, ClinGen allele CA378081631.